The following is an entry in ClinVar:

ClinVar aggregate classification (germline): Uncertain significance (1 of 4 stars; one submission).

Conditions:
Autosomal recessive limb-girdle muscular dystrophy type 2Q (LGMDR17). Also called: MUSCULAR DYSTROPHY, LIMB-GIRDLE, AUTOSOMAL RECESSIVE 17. Identifiers: Orphanet 254361, MedGen C3150989, MONDO:0013390, OMIM 613723.
Epidermolysis bullosa simplex 5B, with muscular dystrophy (EBS5B). Also called: EPIDERMOLYSIS BULLOSA SIMPLEX AND LIMB-GIRDLE MUSCULAR DYSTROPHY; Epidermolysis bullosa simplex with muscular dystrophy. Identifiers: Orphanet 257, MedGen C2931072, MONDO:0009181, OMIM 226670.
Epidermolysis bullosa simplex, Ogna type (EBS5A). Also called: Pidermolysis bullosa simplex 5A, Ogna type; EPIDERMOLYSIS BULLOSA SIMPLEX 5A, OGNA TYPE. Identifiers: Orphanet 79401, MedGen C0432317, MONDO:0007555, OMIM 131950.
Epidermolysis bullosa simplex 5C, with pyloric atresia (EBS5C). Also called: PLEC-Related Epidermolysis Bullosa with Pyloric Atresia; Epidermolysis bullosa simplex with pyloric atresia; PLEC1-Related Epidermolysis Bullosa with Pyloric Atresia. Identifiers: Orphanet 158684, MedGen C2677349, MONDO:0012807, OMIM 612138.
Epidermolysis bullosa simplex with nail dystrophy (EBS5D). Identifiers: MedGen C4225309, MONDO:0014661, OMIM 616487.

Allele frequency attached by ClinVar (database versions not stated): ExAC 0.00001; gnomAD exomes 0.00001.
gnomAD v4.1: 10 of 1,593,898 alleles (0.00063%); highest among the groups gnomAD compares: Non-Finnish European, 0.00085%; no homozygotes.

Submission:

Labcorp Genetics (formerly Invitae), Labcorp
Classification: Uncertain significance for Autosomal recessive limb-girdle muscular dystrophy type 2Q; Epidermolysis bullosa simplex, Ogna type; Epidermolysis bullosa simplex with nail dystrophy; Epidermolysis bullosa simplex 5C, with pyloric atresia; Epidermolysis bullosa simplex 5B, with muscular dystrophy. Last evaluated: 2021-09-01. Review status: criteria provided, single submitter. Criteria: Invitae Variant Classification Sherloc (09022015). Collection method: clinical testing. Allele origin: germline.
Comment: This sequence change replaces glutamic acid with alanine at codon 2025 of the PLEC protein (p.Glu2025Ala). The glutamic acid residue is highly conserved and there is a moderate physicochemical difference between glutamic acid and alanine. This variant is present in population databases (rs782286124, ExAC 0.002%). This variant has not been reported in the literature in individuals affected with PLEC-related conditions. Algorithms developed to predict the effect of missense changes on protein structure and function are either unavailable or do not agree on the potential impact of this missense change (SIFT: "Deleterious"; PolyPhen-2: "Not Available"; Align-GVGD: "Class C15"). In summary, the available evidence is currently insufficient to determine the role of this variant in disease. Therefore, it has been classified as a Variant of Uncertain Significance.

NM_201384.3(PLEC):c.5993A>C (p.Glu1998Ala)

Gene: PLEC (plectin; minus strand). Cytogenetic location: 8q24.3.
Variant type: single nucleotide variant.
Coding change: c.5993A>C on transcript NM_201384.3 (MANE Select); coding-DNA position 5993, A replaced by C.
Protein change: p.Glu1998Ala; replaces glutamic acid 1998 with alanine.
Molecular consequence: missense variant.
Genome position (GRCh38, 1-based): chr8:143,923,936, T>G on the plus strand (A>C on the coding strand, the complement: PLEC is on the minus strand). VCF-style: chr8-143923936-T-G. GRCh37 (hg19) VCF-style: chr8-144998104-T-G.
Other names: c.6074A>C, p.Glu2025Ala (NM_000445.5); c.5951A>C, p.Glu1984Ala (NM_201378.4); c.5927A>C, p.Glu1976Ala (NM_201379.3); c.6404A>C, p.Glu2135Ala (NM_201380.4); c.5897A>C, p.Glu1966Ala (NM_201381.3); c.5993A>C, p.Glu1998Ala (NM_201382.4); c.6005A>C, p.Glu2002Ala (NM_201383.3); short protein forms E1976A, E1998A, E2002A, E2135A, E1966A, E1984A, E2025A.
Identifiers: ClinVar variation 582690 (VCV000582690.3), dbSNP rs782286124, ClinGen allele CA4926154.